The following is an entry in ClinVar:

ClinVar aggregate classification (germline): Likely pathogenic. Review status: criteria provided, single submitter (1 of 4 stars). 2 submissions from 2 submitters: Likely pathogenic (1). 1 of the submissions does not count toward it. Last evaluated 2025-11-16.

Conditions:
Congenital microvillous atrophy (DIAR2). Also called: Diarrhea 2 with microvillus atrophy, with or without cholestasis; CONGENITAL FAMILIAL PROTRACTED DIARRHEA WITH ENTEROCYTE BRUSH-BORDER ABNORMALITIES; DAVIDSON DISEASE; MICROVILLUS ATROPHY, CONGENITAL; Microvillus inclusion disease. Identifiers: Orphanet 2290, MedGen C0341306, MONDO:0009635, OMIM 251850.

Allele frequency attached by ClinVar (database versions not stated): gnomAD exomes below 0.00001; TOPMed below 0.00001; gnomAD 0.00001.
gnomAD v4.1: 2 of 1,588,224 alleles (0.00013%); highest among the groups gnomAD compares: Admixed American, 0.0035%; no homozygotes.

Submissions (2):

Labcorp Genetics (formerly Invitae), Labcorp
Classification: Likely pathogenic. Last evaluated: 2025-11-16. Review status: criteria provided, single submitter. Criteria: Invitae Variant Classification Sherloc (09022015). Collection method: clinical testing. Allele origin: germline.
Comment: This sequence change affects a donor splice site in intron 16 of the MYO5B gene. It is expected to disrupt RNA splicing. Variants that disrupt the donor or acceptor splice site typically lead to a loss of protein function (PMID: 16199547), and loss-of-function variants in MYO5B are known to be pathogenic (PMID: 18724368, 20186687). The frequency data for this variant in the population databases is considered unreliable, as metrics indicate poor data quality at this position in the gnomAD database. This variant has not been reported in the literature in individuals affected with MYO5B-related conditions. ClinVar contains an entry for this variant (Variation ID: 180212). Algorithms developed to predict the effect of sequence changes on RNA splicing suggest that this variant may disrupt the consensus splice site. In summary, the currently available evidence indicates that the variant is pathogenic, but additional data are needed to prove that conclusively. Therefore, this variant has been classified as Likely Pathogenic.

Mendelics
Classification: Pathogenic for Congenital microvillous atrophy. Last evaluated: 2014-09-18. Review status: no assertion criteria provided. Collection method: clinical testing. Allele origin: biparental. Affected: yes. Not counted in ClinVar's aggregate classification.

Literature cited by the submitters: PubMed 16199547 (cited by Labcorp Genetics (formerly Invitae), Labcorp); PubMed 18724368 (cited by Labcorp Genetics (formerly Invitae), Labcorp and Mendelics); PubMed 20186687 (cited by Labcorp Genetics (formerly Invitae), Labcorp).

NM_001080467.3(MYO5B):c.2003+2T>A

Gene: MYO5B (myosin VB; minus strand). Cytogenetic location: 18q21.1.
Variant type: single nucleotide variant.
Coding change: c.2003+2T>A on transcript NM_001080467.3 (MANE Select); the canonical splice donor site of the intron after coding-DNA position 2003, T replaced by A.
Molecular consequence: splice donor variant.
Genome position (GRCh38, 1-based): chr18:49,936,250, A>T on the plus strand (T>A on the coding strand, the complement: MYO5B is on the minus strand). VCF-style: chr18-49936250-A-T. GRCh37 (hg19) VCF-style: chr18-47462620-A-T.
Identifiers: ClinVar variation 180212 (VCV000180212.7), dbSNP rs727505394, ClinGen allele CA185912.